The following is an entry in ClinVar:

NM_000179.3(MSH6):c.2550C>A (p.Tyr850Ter)

Gene: MSH6 (mutS homolog 6; plus strand). Cytogenetic location: 2p16.3.
Variant type: single nucleotide variant.
Coding change: c.2550C>A on transcript NM_000179.3 (MANE Select); coding-DNA position 2550, C replaced by A.
Protein change: p.Tyr850Ter; replaces tyrosine 850 with a stop codon.
Molecular consequence: nonsense.
Genome position (GRCh38, 1-based): chr2:47,800,533, C>A. VCF-style: chr2-47800533-C-A. GRCh37 (hg19) VCF-style: chr2-48027672-C-A.
Other names: c.2160C>A, p.Tyr720Ter (NM_001281492.2); c.1644C>A, p.Tyr548Ter (NM_001281493.2, NM_001281494.2); short protein forms Y850*, Y548*, Y720*.
Identifiers: ClinVar variation 186657 (VCV000186657.8), dbSNP rs374230313, ClinGen allele CA010381.

ClinVar aggregate classification (germline): Pathogenic. Review status: criteria provided, multiple submitters, no conflicts (2 of 4 stars). 3 submissions from 3 submitters: Pathogenic (3). Last evaluated 2025-03-05.

Conditions:
Hereditary nonpolyposis colorectal neoplasms. Identifiers: MedGen C0009405, MeSH D003123.
Hereditary cancer-predisposing syndrome. Also called: Neoplastic Syndromes, Hereditary; Tumor predisposition; Hereditary Cancer Syndrome; Hereditary neoplastic syndrome. Identifiers: Orphanet 140162, MedGen C0027672, MeSH D009386, MONDO:0015356.
Lynch syndrome 5 (LYNCH5). Also called: Colorectal cancer, hereditary nonpolyposis, type 5; Hereditary non-polyposis colorectal cancer, type 5. Identifiers: Orphanet 144, MedGen C1833477, MONDO:0013710, OMIM 614350. Disease mechanism: loss of function.

Submissions (3):

Labcorp Genetics (formerly Invitae), Labcorp
Classification: Pathogenic for Hereditary nonpolyposis colorectal neoplasms. Last evaluated: 2025-03-05. Review status: criteria provided, single submitter. Criteria: Invitae Variant Classification Sherloc (09022015). Collection method: clinical testing. Allele origin: germline.
Comment: This sequence change creates a premature translational stop signal (p.Tyr850*) in the MSH6 gene. It is expected to result in an absent or disrupted protein product. Loss-of-function variants in MSH6 are known to be pathogenic (PMID: 18269114, 24362816). This variant is not present in population databases (gnomAD no frequency). This premature translational stop signal has been observed in individual(s) with clinical features of MSH6-related conditions (internal data). ClinVar contains an entry for this variant (Variation ID: 186657). For these reasons, this variant has been classified as Pathogenic.

Myriad Genetics, Inc.
Classification: Pathogenic for Lynch syndrome 5. Last evaluated: 2023-08-17. Review status: criteria provided, single submitter. Criteria: Myriad Autosomal Dominant, Autosomal Recessive and X-Linked Classification Criteria (2023). Collection method: clinical testing. Allele origin: unknown.
Comment: This variant is considered pathogenic. This variant creates a termination codon and is predicted to result in premature protein truncation.

Ambry Genetics
Classification: Pathogenic for Hereditary cancer-predisposing syndrome. Last evaluated: 2021-10-15. Review status: criteria provided, single submitter. Criteria: Ambry Variant Classification Scheme 2023. Collection method: clinical testing. Allele origin: germline.
Comment: The p.Y850* pathogenic mutation (also known as c.2550C>A), located in coding exon 4 of the MSH6 gene, results from a C to A substitution at nucleotide position 2550. This changes the amino acid from a tyrosine to a stop codon within coding exon 4. This mutation has also been identified in two patients undergoing multi-gene panel testing for a personal and/or family history of cancer (Espenschied CR et al. J Clin Oncol, 2017 Aug;35:2568-2575). This variant is considered to be rare based on population cohorts in the Genome Aggregation Database (gnomAD). This alteration is expected to result in loss of function by premature protein truncation or nonsense-mediated mRNA decay. As such, this alteration is interpreted as a disease-causing mutation.

Literature cited by the submitters: PubMed 18269114 (cited by Labcorp Genetics (formerly Invitae), Labcorp); PubMed 24362816 (cited by Labcorp Genetics (formerly Invitae), Labcorp); PubMed 28514183 (cited by Ambry Genetics).